The following is an entry in ClinVar:

NM_003718.5(CDK13):c.482G>C (p.Gly161Ala)

Genes: CDK13 (cyclin dependent kinase 13; plus strand), LOC129998292 (ATAC-STARR-seq lymphoblastoid silent region 18115; plus strand). Cytogenetic location: 7p14.1.
Variant type: single nucleotide variant.
Coding change: c.482G>C on transcript NM_003718.5 (MANE Select); coding-DNA position 482, G replaced by C.
Protein change: p.Gly161Ala; replaces glycine 161 with alanine.
Molecular consequence: missense variant.
Genome position (GRCh38, 1-based): chr7:39,951,123, G>C. VCF-style: chr7-39951123-G-C. GRCh37 (hg19) VCF-style: chr7-39990722-G-C.
Other names: c.482G>C, p.Gly161Ala (NM_031267.4); short protein forms G161A.
Identifiers: ClinVar variation 2628627 (VCV002628627.3), dbSNP rs902803165, ClinGen allele CA157707166.

ClinVar aggregate classification (germline): Conflicting classifications of pathogenicity. Review status: criteria provided, conflicting classifications (1 of 4 stars). 2 submissions from 2 submitters: Uncertain significance (1); Benign (1). Last evaluated 2025-12-08.

Conditions:
CDK13-related disorder. Also called: CDK13-related condition. Identifiers: MedGen C5816700.

gnomAD v4.1: 20 of 1,243,872 alleles (0.0016%); highest among the groups gnomAD compares: Non-Finnish European, 0.002%; no homozygotes.

Submissions (2):

PreventionGenetics, part of Exact Sciences
Classification: Uncertain significance for CDK13-related condition. Last evaluated: 2025-12-08. Review status: criteria provided, single submitter. Criteria: ACMG Guidelines, 2015. Collection method: clinical testing. Allele origin: germline.
Comment: The CDK13 c.482G>C variant is predicted to result in the amino acid substitution p.Gly161Ala. To our knowledge, this variant has not been reported in the literature or in a large population database (gnomAD), indicating this variant is rare. At this time, the clinical significance of this variant is uncertain due to the absence of conclusive functional and genetic evidence.

Labcorp Genetics (formerly Invitae), Labcorp
Classification: Benign. Last evaluated: 2025-06-18. Review status: criteria provided, single submitter. Criteria: Invitae Variant Classification Sherloc (09022015). Collection method: clinical testing. Allele origin: germline.